The following is an entry in ClinVar:

ClinVar aggregate classification (germline): Uncertain significance. Review status: criteria provided, multiple submitters, no conflicts (2 of 4 stars). 2 submissions from 2 submitters: Uncertain significance (2). Last evaluated 2025-08-30.

Conditions:
Argininosuccinate lyase deficiency. Also called: Argininosuccinic aciduria; ARGININOSUCCINIC ACID LYASE DEFICIENCY; ASL DEFICIENCY. Identifiers: Orphanet 23, MedGen C0268547, MONDO:0008815, OMIM 207900, HP:0025630.
Inborn genetic diseases. Identifiers: MedGen C0950123, MeSH D030342.

Allele frequency attached by ClinVar (database versions not stated): ExAC 0.00003; gnomAD 0.00003 and 0.00004.
gnomAD v4.1: 30 of 1,611,368 alleles (0.0019%); highest among the groups gnomAD compares: South Asian, 0.0033%; no homozygotes.

Submissions (2):

Ambry Genetics
Classification: Uncertain significance for Inborn genetic diseases. Last evaluated: 2025-08-30. Review status: criteria provided, single submitter. Criteria: Ambry Variant Classification Scheme 2023. Collection method: clinical testing. Allele origin: germline.

Foundation for Research in Genetics and Endocrinology, FRIGE's Institute of Human Genetics
Classification: Uncertain significance for Argininosuccinate lyase deficiency. Last evaluated: 2020-04-10. Review status: criteria provided, single submitter. Criteria: ACMG Guidelines, 2015. Collection method: clinical testing. Allele origin: germline. Inheritance: Autosomal recessive inheritance. Affected: no. Observed: 1 heterozygote.
Comment: A heterozygous missense variation in exon 17 of the ASL gene that results in the amino acid substitution of Histidine for Arginine at codon 453 was detected. The observed variant c.1358G>A (p.Arg453His) has not been reported in the 1000 genomes database and has a minor allele frequency of 0.003% in the ExAC databases. The in silico prediction of the variant is damaging by SIFT. The reference codon is conserved across primates. In summary, the variant meets our criteria to be classified as variant of uncertain significance.

NM_000048.4(ASL):c.1358G>A (p.Arg453His)

Gene: ASL (argininosuccinate lyase; plus strand). Cytogenetic location: 7q11.21.
Variant type: single nucleotide variant.
Coding change: c.1358G>A on transcript NM_000048.4 (MANE Select); coding-DNA position 1358, G replaced by A.
Protein change: p.Arg453His; replaces arginine 453 with histidine.
Molecular consequence: missense variant.
Genome position (GRCh38, 1-based): chr7:66,092,875, G>A. VCF-style: chr7-66092875-G-A. GRCh37 (hg19) VCF-style: chr7-65557862-G-A.
Other names: c.1358G>A (NM_000048.3); c.1358G>A, p.Arg453His (NM_001024943.2); c.1298G>A, p.Arg433His (NM_001024944.2); c.1280G>A, p.Arg427His (NM_001024946.2); short protein forms R433H, R427H, R453H.
Identifiers: ClinVar variation 953069 (VCV000953069.4), dbSNP rs762805462, ClinGen allele CA4277399.